The following is an entry in ClinVar:

NM_007294.4(BRCA1):c.5075-965A>G

Gene: BRCA1 (BRCA1 DNA repair associated; minus strand). Cytogenetic location: 17q21.31.
Variant type: single nucleotide variant.
Coding change: c.5075-965A>G on transcript NM_007294.4 (MANE Select); 965 bases into the intron before coding-DNA position 5075, A replaced by G.
Molecular consequence: intron variant.
Genome position (GRCh38, 1-based): chr17:43,064,916, T>C on the plus strand (A>G on the coding strand, the complement: BRCA1 is on the minus strand). VCF-style: chr17-43064916-T-C. GRCh37 (hg19) VCF-style: chr17-41216933-T-C.
Other names: IVS 17-965A>G; c.1622-965A>G (NM_001408458.1, NM_001408461.1, NM_001408464.1 and 7 more transcripts); c.4184-965A>G (NM_001407967.1); c.4694-965A>G (NM_001407959.1); c.4808-965A>G (NM_001407931.1, NM_001407932.1, NM_001407928.1 and 4 more transcripts); c.4931-965A>G (NM_001407747.1, NM_001407745.1, NM_001407737.1 and 21 more transcripts); c.4691-965A>G (NM_001407962.1, NM_001407960.1); c.1262-965A>G (NM_001408512.1); and 74 more.
Identifiers: ClinVar variation 209327 (VCV000209327.2), dbSNP rs3785546, ClinGen allele CA276299.

ClinVar aggregate classification (germline): Benign (3 of 4 stars; one submission).

Conditions:
Breast-ovarian cancer, familial, susceptibility to, 1 (BROVCA1). Also called: BRCA1 Hereditary Breast and Ovarian Cancer; OVARIAN CANCER, SUSCEPTIBILITY TO. Identifiers: Orphanet 145, MedGen C2676676, MONDO:0011450, OMIM 604370. Disease mechanism: loss of function.

Allele frequency attached by ClinVar (database versions not stated): TOPMed 0.29026; gnomAD 0.30144 and 0.30906; 1000 Genomes Project 30x 0.33339; 1000 Genomes Project 0.33966.
gnomAD v4.1: 46,359 of 149,944 alleles (31%); highest among the groups gnomAD compares: South Asian, 50%; 7,554 homozygotes.

Submission:

Evidence-based Network for the Interpretation of Germline Mutant Alleles (ENIGMA)
Classification: Benign for Breast-ovarian cancer, familial 1. Last evaluated: 2015-01-12. Review status: reviewed by expert panel. Criteria: ENIGMA BRCA1/2 Classification Criteria (2015). Collection method: curation. Allele origin: germline.
Comment: Class 1 not pathogenic based on frequency >1% in an outbred sampleset. Frequency 0.3164 (Asian), 0.1992 (African), 0.3588 (European), derived from 1000 genomes (2012-04-30).